The following is an entry in ClinVar:

NM_198391.3(FLRT3):c.1535C>T (p.Thr512Ile)

Genes: MACROD2 (mono-ADP ribosylhydrolase 2; plus strand), FLRT3 (fibronectin leucine rich transmembrane protein 3; minus strand). Cytogenetic location: 20p12.1.
Variant type: single nucleotide variant.
Coding change: c.1535C>T on transcript NM_198391.3 (MANE Select); coding-DNA position 1535, C replaced by T.
Protein change: p.Thr512Ile; replaces threonine 512 with isoleucine.
Molecular consequence: missense variant. On other transcripts: intron variant (3).
Genome position (GRCh38, 1-based): chr20:14,325,972, G>A on the plus strand (C>T on the coding strand, the complement: FLRT3 is on the minus strand). VCF-style: chr20-14325972-G-A. GRCh37 (hg19) VCF-style: chr20-14306618-G-A.
Other names: c.1535C>T, p.Thr512Ile (NM_013281.4); c.272-167507G>A (NM_001351661.2, NM_001351663.2, NM_080676.6); short protein forms T512I.
Identifiers: ClinVar variation 3606777 (VCV003606777.2).

ClinVar aggregate classification (germline): Uncertain significance (1 of 4 stars; one submission).

gnomAD v4.1: 1 of 1,613,918 alleles (0.000062%); highest among the groups gnomAD compares: African/African-American, 0.0013%; no homozygotes.

Submission:

Labcorp Genetics (formerly Invitae), Labcorp
Classification: Uncertain significance. Last evaluated: 2024-04-29. Review status: criteria provided, single submitter. Criteria: Invitae Variant Classification Sherloc (09022015). Collection method: clinical testing. Allele origin: germline.
Comment: This sequence change replaces threonine, which is neutral and polar, with isoleucine, which is neutral and non-polar, at codon 512 of the FLRT3 protein (p.Thr512Ile). This variant is not present in population databases (gnomAD no frequency). This variant has not been reported in the literature in individuals affected with FLRT3-related conditions. An algorithm developed to predict the effect of missense changes on protein structure and function (PolyPhen-2) suggests that this variant is likely to be disruptive. In summary, the available evidence is currently insufficient to determine the role of this variant in disease. Therefore, it has been classified as a Variant of Uncertain Significance.